The following is an entry in ClinVar:

NM_001083962.2(TCF4):c.1349T>C (p.Met450Thr)

Gene: TCF4 (transcription factor 4; minus strand). Cytogenetic location: 18q21.2.
Variant type: single nucleotide variant.
Coding change: c.1349T>C on transcript NM_001083962.2 (MANE Select); coding-DNA position 1349, T replaced by C.
Protein change: p.Met450Thr; replaces methionine 450 with threonine.
Molecular consequence: missense variant.
Genome position (GRCh38, 1-based): chr18:55,254,498, A>G on the plus strand (T>C on the coding strand, the complement: TCF4 is on the minus strand). VCF-style: chr18-55254498-A-G. GRCh37 (hg19) VCF-style: chr18-52921729-A-G.
Other names: NM_001083962.2(TCF4):c.1349T>C; p.Met450Thr; c.1655T>C, p.Met552Thr (NM_001243226.3); c.1277T>C, p.Met426Thr (NM_001243227.2, NM_001306207.1, NM_001348217.1 and 5 more transcripts); c.1367T>C, p.Met456Thr (NM_001243228.2); c.1340T>C, p.Met447Thr (NM_001243230.2); c.1223T>C, p.Met408Thr (NM_001243231.2, NM_001348211.2); c.1136T>C, p.Met379Thr (NM_001243232.1, NM_001306208.1); and 8 more; short protein forms M320T, M408T, M289T, M379T, M450T, M456T, M552T, M234T.
Identifiers: ClinVar variation 852860 (VCV000852860.12), dbSNP rs774283982, ClinGen allele CA8970229.

ClinVar aggregate classification (germline): Uncertain significance. Review status: reviewed by expert panel (3 of 4 stars). 4 submissions from 4 submitters: Uncertain significance (1). 3 of the submissions do not count toward it. Last evaluated 2025-02-28.

Conditions:
Pitt-Hopkins syndrome (PTHS). Also called: ENCEPHALOPATHY, SEVERE EPILEPTIC, WITH AUTONOMIC DYSFUNCTION; MENTAL RETARDATION, SYNDROMAL, WITH INTERMITTENT HYPERVENTILATION. Identifiers: Orphanet 2896, MedGen C1970431, MONDO:0012589, OMIM 610954.
Inborn genetic diseases. Identifiers: MedGen C0950123, MeSH D030342.

Allele frequency attached by ClinVar (database versions not stated): gnomAD exomes 0.00001; ExAC 0.00002; TOPMed 0.00002.
gnomAD v4.1: 15 of 1,613,326 alleles (0.00093%); highest among the groups gnomAD compares: African/African-American, 0.0013%; no homozygotes.

Submissions (4):

ClinGen Rett and Angelman-like Disorders Variant Curation Expert Panel
Classification: Uncertain significance for Pitt-Hopkins syndrome. Last evaluated: 2025-02-28. Review status: reviewed by expert panel. Criteria: ClinGen RettAS ACMG Specifications TCF4 V3.0.0. Collection method: curation. Allele origin: germline. Inheritance: Autosomal dominant inheritance.
Comment: The highest population minor allele frequency of the p.Met450Thr variant in TCF4 in gnomAD v4.1.0 is 0.00001 in African/African American and European (Non-Finnish) populations (not sufficient to meet BS1 criteria). The p.Met450Thr variant is observed in at least 1 unaffected individual (internal data, LabCorp Genetics Inc.) (BS2_Supporting). Computational prediction analysis tools are inconclusive for this variant (REVEL gives a score of 0.523). In summary, the p.Met450Thr variant in TCF4 is classified as a Variant of Uncertain Significance based on the ACMG/AMP criteria (BS2_Supporting). (TCF4 Specifications v3.0; curation approved on 02/28/2025).

Labcorp Genetics (formerly Invitae), Labcorp
Classification: Benign for Pitt-Hopkins syndrome. Last evaluated: 2025-08-16. Review status: criteria provided, single submitter. Criteria: Invitae Variant Classification Sherloc (09022015). Collection method: clinical testing. Allele origin: germline. Not counted in ClinVar's aggregate classification.

Women's Health and Genetics/Laboratory Corporation of America, LabCorp
Classification: Uncertain significance. Last evaluated: 2025-05-14. Review status: criteria provided, single submitter. Criteria: LabCorp Variant Classification Summary - May 2015. Collection method: clinical testing. Allele origin: germline. Not counted in ClinVar's aggregate classification.
Comment: Variant summary: TCF4 c.1349T>C (p.Met450Thr) results in a non-conservative amino acid change in the encoded protein sequence. Algorithms developed to predict the effect of missense changes on protein structure and function are either unavailable or do not agree on the potential impact of this missense change. Consensus agreement among computation tools predict no significant impact on normal splicing. However, these predictions have yet to be confirmed by functional studies. The variant allele was found at a frequency of 9.3e-06 in 1613326 control chromosomes. This frequency is not significantly higher than estimated for a pathogenic variant in TCF4 causing Pitt-Hopkins Syndrome, allowing no conclusion about variant significance. To our knowledge, no occurrence of c.1349T>C in individuals affected with Pitt-Hopkins Syndrome and no experimental evidence demonstrating its impact on protein function have been reported. ClinVar contains an entry for this variant (Variation ID: 852860). Based on the evidence outlined above, the variant was classified as uncertain significance.

Ambry Genetics
Classification: Uncertain significance for Inborn genetic diseases. Last evaluated: 2021-01-12. Review status: criteria provided, single submitter. Criteria: Ambry Variant Classification Scheme 2023. Collection method: clinical testing. Allele origin: germline. Not counted in ClinVar's aggregate classification.
Comment: The c.1349T>C (p.M450T) alteration is located in exon 15 (coding exon 14) of the TCF4 gene. This alteration results from a T to C substitution at nucleotide position 1349, causing the methionine (M) at amino acid position 450 to be replaced by a threonine (T). The in silico prediction for the p.M450T alteration is inconclusive. Based on insufficient or conflicting evidence, the clinical significance of this alteration remains unclear.